The following is an entry in ClinVar:

ClinVar aggregate classification (germline): Conflicting classifications of pathogenicity. Review status: criteria provided, conflicting classifications (1 of 4 stars). 3 submissions from 3 submitters: Uncertain significance (2); Likely benign (1). Last evaluated 2024-09-16.

Conditions:
Tyrosinase-positive oculocutaneous albinism (OCA2). Also called: Oculocutaneous albinism type 2; ALBINISM II; Albinism, oculocutaneous, type II. Identifiers: Orphanet 79432, MedGen C0268495, MONDO:0008746, OMIM 203200.

Allele frequency attached by ClinVar (database versions not stated): gnomAD exomes 0.00002 and 0.00007; ExAC 0.00003; gnomAD 0.00004 and 0.00005; TOPMed 0.00006.
gnomAD v4.1: 126 of 1,613,986 alleles (0.0078%); highest among the groups gnomAD compares: Middle Eastern, 0.049%; 1 homozygote.

Submissions (3):

Blueprint Genetics
Classification: Likely benign. Last evaluated: 2024-09-16. Review status: criteria provided, single submitter. Criteria: ACMG Guidelines, 2015. Collection method: clinical testing. Allele origin: germline.

Labcorp Genetics (formerly Invitae), Labcorp
Classification: Uncertain significance. Last evaluated: 2022-10-17. Review status: criteria provided, single submitter. Criteria: Invitae Variant Classification Sherloc (09022015). Collection method: clinical testing. Allele origin: germline.
Comment: This sequence change replaces valine, which is neutral and non-polar, with isoleucine, which is neutral and non-polar, at codon 435 of the OCA2 protein (p.Val435Ile). This variant is present in population databases (rs549399707, gnomAD 0.008%). This variant has not been reported in the literature in individuals affected with OCA2-related conditions. ClinVar contains an entry for this variant (Variation ID: 315471). Advanced modeling of protein sequence and biophysical properties (such as structural, functional, and spatial information, amino acid conservation, physicochemical variation, residue mobility, and thermodynamic stability) performed at Invitae indicates that this missense variant is not expected to disrupt OCA2 protein function. In summary, the available evidence is currently insufficient to determine the role of this variant in disease. Therefore, it has been classified as a Variant of Uncertain Significance.

Illumina Laboratory Services, Illumina
Classification: Uncertain significance for Tyrosinase-positive oculocutaneous albinism. Last evaluated: 2018-01-12. Review status: criteria provided, single submitter. Criteria: ICSL Variant Classification Criteria 13 December 2019. Collection method: clinical testing. Allele origin: germline.

NM_000275.3(OCA2):c.1303G>A (p.Val435Ile)

Gene: OCA2 (OCA2 melanosomal transmembrane protein; minus strand). Cytogenetic location: 15q13.1.
Variant type: single nucleotide variant.
Coding change: c.1303G>A on transcript NM_000275.3 (MANE Select); coding-DNA position 1303, G replaced by A.
Protein change: p.Val435Ile; replaces valine 435 with isoleucine.
Molecular consequence: missense variant.
Genome position (GRCh38, 1-based): chr15:27,985,125, C>T on the plus strand (G>A on the coding strand, the complement: OCA2 is on the minus strand). VCF-style: chr15-27985125-C-T. GRCh37 (hg19) VCF-style: chr15-28230271-C-T.
Other names: c.1231G>A, p.Val411Ile (NM_001300984.2); short protein forms V435I, V411I.
Identifiers: ClinVar variation 315471 (VCV000315471.8), dbSNP rs549399707, ClinGen allele CA7439085.
Genomic context (GRCh38, chr15:27,985,125, plus strand): 5'-TTATGGTCACAGGCGTGAAGAGGAGCATGGTGGTGACGTTGTCCAAGAAGGCAGAGAGGA[C>T]GGCCGCGATGAGACAGAGCATGATGATCATGGCCCACACCCGTCCCCGGGAGAGCCGGTA-3'
Protein context (NP_000266.2, residues 425-445): MIIMLCLIAA[Val435Ile]LSAFLDNVTT